The following is an entry in ClinVar:

NM_000044.6(AR):c.2545_2546delinsT (p.Asn849fs)

Gene: AR (androgen receptor; plus strand). Cytogenetic location: Xq12.
Variant type: Indel.
Coding change: c.2545_2546delinsT on transcript NM_000044.6 (MANE Select); coding-DNA positions 2545 to 2546, AA replaced by T.
Protein change: p.Asn849fs; shifts the reading frame from asparagine 849.
Molecular consequence: frameshift variant.
Genome position (GRCh38, 1-based): chrX:67,722,922-67,722,923, AA replaced by T. VCF-style: chrX-67722922-AA-T. GRCh37 (hg19) VCF-style: chrX-66942764-AA-T.
Other names: c.949_950delinsT, p.Asn317fs (NM_001011645.3); short protein forms N317fs, N849fs.
Identifiers: ClinVar variation 4077405 (VCV004077405.1).

ClinVar aggregate classification (germline): Likely pathogenic (1 of 4 stars; one submission).

Conditions:
Androgen resistance syndrome (AIS). Also called: ANDROGEN RECEPTOR DEFICIENCY; DIHYDROTESTOSTERONE RECEPTOR DEFICIENCY; TESTICULAR FEMINIZATION SYNDROME; Androgen insensitivity syndrome; Androgen insensitivity, complete; Androgen insensitivity syndrome due to coactivator deficiency. Identifiers: Orphanet 754, Orphanet 99429, MedGen C0039585, MONDO:0019154, OMIM 300068. Disease mechanism: loss of function.

Submission:

Center of Excellence of Human Genetics, National Research Center
Classification: Likely pathogenic for Androgen resistance syndrome. Review status: criteria provided, single submitter. Criteria: ACMG Guidelines, 2015. Collection method: clinical testing. Allele origin: germline. Inheritance: X-linked inheritance. Affected: yes.
Comment: This p.Asn849Phefs*34 frameshift variant in the AR gene is not reported in the gnomAD population datasets, and it has not been reported before in the literature. ACMG classification is (PVS1-PM2), which is considered a likely pathogenic variant.

Literature cited by the submitters: PubMed 32784047.